The following is an entry in ClinVar:

ClinVar aggregate classification (germline): Conflicting classifications of pathogenicity. Review status: criteria provided, conflicting classifications (1 of 4 stars). 7 submissions from 7 submitters: Uncertain significance (4); Likely benign (1). 2 of the submissions do not count toward it. Last evaluated 2024-11-04.

Conditions:
Iron-refractory iron deficiency anemia (IRIDA). Also called: IRON-HANDLING DISORDER, HEREDITARY; IRIDA syndrome; PSEUDO-IRON-DEFICIENCY ANEMIA; ANEMIA, HYPOCHROMIC MICROCYTIC, WITH DEFECT IN IRON METABOLISM. Identifiers: Orphanet 209981, MedGen C0085576, MONDO:0008788, OMIM 206200. Disease mechanism: loss of function.
TMPRSS6-related disorder. Also called: TMPRSS6-related condition.

Allele frequency attached by ClinVar (database versions not stated): ExAC 0.00054; gnomAD 0.00151 and 0.00162; 1000 Genomes Project 0.00100; 1000 Genomes Project 30x 0.00109; ESP Exome Variant Server 0.00154; gnomAD exomes 0.00016 and 0.00039; TOPMed 0.00177.
gnomAD v4.1: 477 of 1,614,194 alleles (0.03%); highest among the groups gnomAD compares: African/African-American, 0.56%; no homozygotes.

Submissions (7):

Mayo Clinic Laboratories, Mayo Clinic
Classification: Uncertain significance. Last evaluated: 2024-11-04. Review status: criteria provided, single submitter. Criteria: ACMG Guidelines, 2015. Collection method: clinical testing. Allele origin: germline. Observed: 3 variant alleles.
Comment: BP4

Labcorp Genetics (formerly Invitae), Labcorp
Classification: Likely benign. Last evaluated: 2024-08-13. Review status: criteria provided, single submitter. Criteria: Invitae Variant Classification Sherloc (09022015). Collection method: clinical testing. Allele origin: germline.

Genomic Medicine Center of Excellence, King Faisal Specialist Hospital and Research Centre
Classification: Uncertain significance for Iron-refractory iron deficiency anemia. Last evaluated: 2024-03-26. Review status: criteria provided, single submitter. Criteria: ACMG Guidelines, 2015. Collection method: clinical testing. Allele origin: germline.

Blueprint Genetics
Classification: Uncertain significance. Last evaluated: 2023-05-24. Review status: criteria provided, single submitter. Criteria: ACMG Guidelines, 2015. Collection method: clinical testing. Allele origin: germline.

Breakthrough Genomics
Classification: Uncertain significance. Review status: criteria provided, single submitter. Criteria: ACMG Guidelines, 2015. Collection method: not provided. Allele origin: germline. Inheritance: Autosomal dominant inheritance. Affected: yes.

PreventionGenetics, part of Exact Sciences
Classification: Likely benign for TMPRSS6-related condition. Last evaluated: 2024-05-10. Review status: no assertion criteria provided. Collection method: clinical testing. Allele origin: germline. Not counted in ClinVar's aggregate classification.
Comment: This variant is classified as likely benign based on ACMG/AMP sequence variant interpretation guidelines (Richards et al. 2015 PMID: 25741868, with internal and published modifications).

Department of Pathology and Laboratory Medicine, Sinai Health System
Classification: Uncertain significance. Review status: no assertion criteria provided. Collection method: clinical testing. Allele origin: unknown. Affected: yes. Study: The Canadian Open Genetics Repository (COGR). Not counted in ClinVar's aggregate classification.
Comment: The TMPRSS6 p.Arg153Cys variant was not identified in the literature nor was it identified in ClinVar or LOVD 3.0. The variant was identified in dbSNP (ID: rs116092750) and in control databases in 148 of 282736 chromosomes at a frequency of 0.0005235 increasing the likelihood this could be a low frequency benign variant (Genome Aggregation Database March 6, 2019, v2.1.1). The variant was observed in the following populations: African in 139 of 24946 chromosomes (freq: 0.005572), Latino in 4 of 35438 chromosomes (freq: 0.000113) and European (non-Finnish) in 5 of 129086 chromosomes (freq: 0.000039), but was not observed in the Ashkenazi Jewish, East Asian, European (Finnish), Other, or South Asian populations. The p.Arg153 residue is not conserved in mammals and computational analyses (PolyPhen-2, SIFT, AlignGVGD, BLOSUM, MutationTaster) provide inconsistent predictions regarding the impact to the protein; this information is not very predictive of pathogenicity. The variant occurs outside of the splicing consensus sequence and in silico or computational prediction software programs (SpliceSiteFinder, MaxEntScan, NNSPLICE, GeneSplicer) do not predict a difference in splicing. In summary, based on the above information the clinical significance of this variant cannot be determined with certainty at this time. This variant is classified as a variant of uncertain significance.

Literature cited by the submitters: PubMed 32446932 (cited by Mayo Clinic Laboratories, Mayo Clinic).

NM_001374504.1(TMPRSS6):c.457C>T (p.Arg153Cys)

Gene: TMPRSS6 (transmembrane serine protease 6; minus strand). Cytogenetic location: 22q12.3.
Variant type: single nucleotide variant.
Coding change: c.457C>T on transcript NM_001374504.1 (MANE Select); coding-DNA position 457, C replaced by T.
Protein change: p.Arg153Cys; replaces arginine 153 with cysteine.
Molecular consequence: missense variant.
Genome position (GRCh38, 1-based): chr22:37,096,038, G>A on the plus strand (C>T on the coding strand, the complement: TMPRSS6 is on the minus strand). VCF-style: chr22-37096038-G-A. GRCh37 (hg19) VCF-style: chr22-37492078-G-A.
Other names: p.Arg162Cys; c.484C>T (NM_153609.3); c.457C>T, p.Arg153Cys (NM_001289000.2, NM_001289001.2, NM_153609.4); short protein forms R153C.
Identifiers: ClinVar variation 1049820 (VCV001049820.9), dbSNP rs116092750, ClinGen allele CA10216072.